The following is an entry in ClinVar:

ClinVar aggregate classification (germline): Benign. Review status: criteria provided, multiple submitters, no conflicts (2 of 4 stars). 2 submissions from 2 submitters: Benign (2). Last evaluated 2018-06-14.

Allele frequency attached by ClinVar (database versions not stated): 1000 Genomes Project 30x 0.02295; TOPMed 0.02447; 1000 Genomes Project 0.02516; gnomAD 0.02821 and 0.02827; gnomAD exomes 0.05665.

Submissions (2):

GeneDx
Classification: Benign. Last evaluated: 2018-06-14. Review status: criteria provided, single submitter. Criteria: GeneDx Variant Classification (06012015). Collection method: clinical testing. Allele origin: germline. Affected: yes.
Comment: This variant is considered likely benign or benign based on one or more of the following criteria: it is a conservative change, it occurs at a poorly conserved position in the protein, it is predicted to be benign by multiple in silico algorithms, and/or has population frequency not consistent with disease.

Breakthrough Genomics
Classification: Benign. Review status: criteria provided, single submitter. Criteria: ACMG Guidelines, 2015. Collection method: not provided. Allele origin: germline. Inheritance: Autosomal recessive inheritance. Affected: yes.

NM_001371279.1(REEP1):c.32+244G>T

Gene: REEP1 (receptor accessory protein 1; minus strand). Cytogenetic location: 2p11.2.
Variant type: single nucleotide variant.
Coding change: c.32+244G>T on transcript NM_001371279.1 (MANE Select); 244 bases into the intron after coding-DNA position 32, G replaced by T.
Molecular consequence: intron variant.
Genome position (GRCh38, 1-based): chr2:86,337,235, C>A on the plus strand (G>T on the coding strand, the complement: REEP1 is on the minus strand). VCF-style: chr2-86337235-C-A. GRCh37 (hg19) VCF-style: chr2-86564358-C-A.
Other names: c.53+789G>T (NM_001164730.2); c.24+244G>T (NM_001164731.2); c.32+244G>T (NM_001164732.2, NM_001371280.1, NM_022912.3).
Identifiers: ClinVar variation 674126 (VCV000674126.2), dbSNP rs141214514, ClinGen allele CA51489841.